The following is an entry in ClinVar:

ClinVar aggregate classification (germline): Likely benign (1 of 4 stars; one submission).

Allele frequency attached by ClinVar (database versions not stated): 1000 Genomes Project 30x 0.00250; 1000 Genomes Project 0.00260; ExAC 0.00295; ESP Exome Variant Server 0.00338; gnomAD 0.00368; TOPMed 0.00374; gnomAD exomes 0.00536.

Submission:

CeGaT Center for Human Genetics Tuebingen
Classification: Likely benign. Last evaluated: 2022-06-01. Review status: criteria provided, single submitter. Criteria: CeGaT Center For Human Genetics Tuebingen Variant Classification Criteria Version 2. Collection method: clinical testing. Allele origin: germline. Affected: yes. Observed: 1 variant allele.
Comment: LGI2: BP4, BP7

NM_018176.4(LGI2):c.348T>C (p.Ile116=)

Genes: CCDC149-AS1 (CCDC149 and LGI2 antisense RNA 1; plus strand), LGI2 (leucine rich repeat LGI family member 2; minus strand). Cytogenetic location: 4p15.2.
Variant type: single nucleotide variant.
Coding change: c.348T>C on transcript NM_018176.4 (MANE Select); coding-DNA position 348, T replaced by C.
Protein change: p.Ile116=; no amino-acid change (isoleucine 116 retained).
Molecular consequence: synonymous variant.
Genome position (GRCh38, 1-based): chr4:25,024,885, A>G on the plus strand (T>C on the coding strand, the complement: LGI2 is on the minus strand). VCF-style: chr4-25024885-A-G. GRCh37 (hg19) VCF-style: chr4-25026507-A-G.
Identifiers: ClinVar variation 2654698 (VCV002654698.24), dbSNP rs116581029, ClinGen allele CA2877009.
Genomic context (GRCh38, chr4:25,024,885, plus strand): 5'-AGTCAGGTCACGGAGGCCACGAAAGGCATTTCTTGAAATGGTTTCTATTTTGTTCCCTTC[A>G]ATGAACCTAAGAGGAAAAGTTGTATAATTAAAATGAATTTTCTCTCCTTAGTATCCCAAA-3'
Protein context (NP_060646.2, residues 106-126): AGLFHLEYLF[Ile116=]EGNKIETISR